The following is an entry in ClinVar:

ClinVar aggregate classification (germline): Uncertain significance. Review status: criteria provided, multiple submitters, no conflicts (2 of 4 stars). 3 submissions from 3 submitters: Uncertain significance (3). Last evaluated 2024-11-10.

Conditions:
Netherton syndrome (NETH). Also called: ERYTHRODERMA, ICHTHYOSIFORM, WITH HYPOTRICHOSIS AND HYPER-IgE; COMEL-NETHERTON SYNDROME; NETHERTON DISEASE. Identifiers: Orphanet 634, MedGen C5574950, MONDO:0009735, OMIM 256500.
Inborn genetic diseases. Identifiers: MedGen C0950123, MeSH D030342.

Allele frequency attached by ClinVar (database versions not stated): gnomAD 0.00004 and 0.00005; TOPMed 0.00006; gnomAD exomes 0.00008 and 0.00012; ExAC 0.00010; ESP Exome Variant Server 0.00016.
gnomAD v4.1: 184 of 1,612,806 alleles (0.011%); highest among the groups gnomAD compares: South Asian, 0.015%; no homozygotes.

Submissions (3):

Ambry Genetics
Classification: Uncertain significance for Inborn genetic diseases. Last evaluated: 2024-11-10. Review status: criteria provided, single submitter. Criteria: Ambry Variant Classification Scheme 2023. Collection method: clinical testing. Allele origin: germline.

Labcorp Genetics (formerly Invitae), Labcorp
Classification: Uncertain significance for Ichthyosis linearis circumflexa. Last evaluated: 2022-08-12. Review status: criteria provided, single submitter. Criteria: Invitae Variant Classification Sherloc (09022015). Collection method: clinical testing. Allele origin: germline.
Comment: This sequence change replaces glycine, which is neutral and non-polar, with arginine, which is basic and polar, at codon 377 of the SPINK5 protein (p.Gly377Arg). This variant is present in population databases (rs376109480, gnomAD 0.02%). This variant has not been reported in the literature in individuals affected with SPINK5-related conditions. ClinVar contains an entry for this variant (Variation ID: 904109). Algorithms developed to predict the effect of missense changes on protein structure and function are either unavailable or do not agree on the potential impact of this missense change (SIFT: "Deleterious"; PolyPhen-2: "Probably Damaging"; Align-GVGD: "Class C0"). In summary, the available evidence is currently insufficient to determine the role of this variant in disease. Therefore, it has been classified as a Variant of Uncertain Significance.

Illumina Laboratory Services, Illumina
Classification: Uncertain significance for Netherton syndrome. Last evaluated: 2018-01-12. Review status: criteria provided, single submitter. Criteria: ICSL Variant Classification Criteria 13 December 2019. Collection method: clinical testing. Allele origin: germline.

NM_006846.4(SPINK5):c.1129G>A (p.Gly377Arg)

Gene: SPINK5 (serine peptidase inhibitor Kazal type 5; plus strand). Cytogenetic location: 5q32.
Variant type: single nucleotide variant.
Coding change: c.1129G>A on transcript NM_006846.4 (MANE Select); coding-DNA position 1129, G replaced by A.
Protein change: p.Gly377Arg; replaces glycine 377 with arginine.
Molecular consequence: missense variant.
Genome position (GRCh38, 1-based): chr5:148,100,490, G>A. VCF-style: chr5-148100490-G-A. GRCh37 (hg19) VCF-style: chr5-147480053-G-A.
Other names: c.1129G>A, p.Gly377Arg (NM_001127698.2, NM_001127699.2); short protein forms G377R.
Identifiers: ClinVar variation 904109 (VCV000904109.11), dbSNP rs376109480, ClinGen allele CA3495486.